The following is an entry in ClinVar:

ClinVar aggregate classification (germline): Uncertain significance. Review status: criteria provided, multiple submitters, no conflicts (2 of 4 stars). 2 submissions from 2 submitters: Uncertain significance (2). Last evaluated 2025-08-22.

Conditions:
Immunodeficiency due to CD25 deficiency. Also called: IMMUNODEFICIENCY 41 WITH LYMPHOPROLIFERATION AND AUTOIMMUNITY; IL2RA DEFICIENCY; CD25 DEFICIENCY. Identifiers: Orphanet 169100, MedGen C1853392, MONDO:0011664, OMIM 606367.

Allele frequency attached by ClinVar (database versions not stated): ExAC 0.00002; gnomAD 0.00002 and 0.00005; gnomAD exomes 0.00002 and 0.00004; TOPMed 0.00005.
gnomAD v4.1: 61 of 1,613,788 alleles (0.0038%); highest among the groups gnomAD compares: Non-Finnish European, 0.0052%; no homozygotes.

Submissions (2):

Ambry Genetics
Classification: Uncertain significance. Last evaluated: 2025-08-22. Review status: criteria provided, single submitter. Criteria: Ambry Variant Classification Scheme 2023. Collection method: clinical testing. Allele origin: germline.

Labcorp Genetics (formerly Invitae), Labcorp
Classification: Uncertain significance for Immunodeficiency due to CD25 deficiency. Last evaluated: 2022-02-05. Review status: criteria provided, single submitter. Criteria: Invitae Variant Classification Sherloc (09022015). Collection method: clinical testing. Allele origin: germline.
Comment: This sequence change replaces valine, which is neutral and non-polar, with methionine, which is neutral and non-polar, at codon 94 of the IL2RA protein (p.Val94Met). This variant is present in population databases (rs771893707, gnomAD 0.004%). This variant has not been reported in the literature in individuals affected with IL2RA-related conditions. ClinVar contains an entry for this variant (Variation ID: 838904). Algorithms developed to predict the effect of missense changes on protein structure and function are either unavailable or do not agree on the potential impact of this missense change (SIFT: "Deleterious"; PolyPhen-2: "Probably Damaging"; Align-GVGD: "Class C0"). In summary, the available evidence is currently insufficient to determine the role of this variant in disease. Therefore, it has been classified as a Variant of Uncertain Significance.

NM_000417.3(IL2RA):c.280G>A (p.Val94Met)

Gene: IL2RA (interleukin 2 receptor subunit alpha; minus strand). Cytogenetic location: 10p15.1.
Variant type: single nucleotide variant.
Coding change: c.280G>A on transcript NM_000417.3 (MANE Select); coding-DNA position 280, G replaced by A.
Protein change: p.Val94Met; replaces valine 94 with methionine.
Molecular consequence: missense variant.
Genome position (GRCh38, 1-based): chr10:6,024,331, C>T on the plus strand (G>A on the coding strand, the complement: IL2RA is on the minus strand). VCF-style: chr10-6024331-C-T. GRCh37 (hg19) VCF-style: chr10-6066294-C-T.
Other names: c.280G>A, p.Val94Met (NM_001308242.2, NM_001308243.2); short protein forms V94M.
Identifiers: ClinVar variation 838904 (VCV000838904.8), dbSNP rs771893707, ClinGen allele CA5397499.